The following is an entry in ClinVar:

ClinVar aggregate classification (germline): Uncertain significance (1 of 4 stars; one submission).

Submission:

Women's Health and Genetics/Laboratory Corporation of America, LabCorp
Classification: Uncertain significance. Last evaluated: 2025-01-13. Review status: criteria provided, single submitter. Criteria: LabCorp Variant Classification Summary - May 2015. Collection method: clinical testing. Allele origin: germline.
Comment: Variant summary: COL11A1 c.3664G>C (p.Gly1222Arg) results in a non-conservative amino acid change in the encoded protein sequence. Five of five in-silico tools predict a damaging effect of the variant on protein function. The variant was absent in 249944 control chromosomes. The available data on variant occurrences in the general population are insufficient to allow any conclusion about variant significance. To our knowledge, no occurrence of c.3664G>C in individuals affected with Stickler Syndrome and no experimental evidence demonstrating its impact on protein function have been reported. No submitters have cited clinical-significance assessments for this variant to ClinVar. Based on the evidence outlined above, the variant was classified as uncertain significance.

NM_001854.4(COL11A1):c.3664G>C (p.Gly1222Arg)

Gene: COL11A1 (collagen type XI alpha 1 chain; minus strand). Cytogenetic location: 1p21.1.
Variant type: single nucleotide variant.
Coding change: c.3664G>C on transcript NM_001854.4 (MANE Select); coding-DNA position 3664, G replaced by C.
Protein change: p.Gly1222Arg; replaces glycine 1222 with arginine.
Molecular consequence: missense variant. On other transcripts: non-coding transcript variant (1).
Genome position (GRCh38, 1-based): chr1:102,921,562, C>G on the plus strand (G>C on the coding strand, the complement: COL11A1 is on the minus strand). VCF-style: chr1-102921562-C-G. GRCh37 (hg19) VCF-style: chr1-103387118-C-G.
Other names: c.3547G>C, p.Gly1183Arg (NM_001190709.2); c.3700G>C, p.Gly1234Arg (NM_080629.3); c.3316G>C, p.Gly1106Arg (NM_080630.4); short protein forms G1106R, G1183R, G1222R, G1234R.
Identifiers: ClinVar variation 3769148 (VCV003769148.2).